The following is an entry in ClinVar:

NM_000214.3(JAG1):c.897C>A (p.Tyr299Ter)

Gene: JAG1 (jagged canonical Notch ligand 1; minus strand). Cytogenetic location: 20p12.2.
Variant type: single nucleotide variant.
Coding change: c.897C>A on transcript NM_000214.3 (MANE Select); coding-DNA position 897, C replaced by A.
Protein change: p.Tyr299Ter; replaces tyrosine 299 with a stop codon.
Molecular consequence: nonsense.
Genome position (GRCh38, 1-based): chr20:10,652,240, G>T on the plus strand (C>A on the coding strand, the complement: JAG1 is on the minus strand). VCF-style: chr20-10652240-G-T. GRCh37 (hg19) VCF-style: chr20-10632888-G-T.
Other names: short protein forms Y299*.
Identifiers: ClinVar variation 4852224 (VCV004852224.1).

ClinVar aggregate classification (germline): Likely pathogenic (1 of 4 stars; one submission).

Conditions:
Alagille syndrome due to a JAG1 point mutation. Also called: HEPATIC DUCTULAR HYPOPLASIA, SYNDROMATIC; Alagille Syndrome 1; JAG1-Related Alagille Syndrome. Identifiers: Orphanet 261619, Orphanet 52, MedGen C1956125, MONDO:0016862, OMIM 118450.

Submission:

Variantyx, Inc.
Classification: Likely pathogenic for Alagille syndrome due to a JAG1 point mutation. Last evaluated: 2025-10-17. Review status: criteria provided, single submitter. Criteria: Variantyx Assertion Criteria 2022. Collection method: clinical testing. Allele origin: germline. Inheritance: Autosomal dominant inheritance. Affected: yes.
Comment: This is a nonsense variant in the JAG1 gene (OMIM: 601920). Pathogenic variants in this gene have been associated with autosomal dominant Alagille syndrome 1. This variant introduces a premature termination codon in exon 7 out of 26 and is expected to result in loss of function, which is a known disease mechanism for JAG1 in this disorder (PMID: 11180599) (PVS1). This variant is absent from control populations (PM2) and it has not been reported in individuals with JAG1-related disorders in the databases available for review. Based on the current evidence, this variant is classified as likely pathogenic for autosomal dominant Alagille syndrome 1.

Literature cited by the submitters: PubMed 11180599.